The following is an entry in ClinVar:

ClinVar aggregate classification (germline): Uncertain significance. Review status: criteria provided, multiple submitters, no conflicts (2 of 4 stars). 2 submissions from 2 submitters: Uncertain significance (2). Last evaluated 2026-08-01.

Conditions:
Familial encephalopathy with neuroserpin inclusion bodies. Also called: ENCEPHALOPATHY, FAMILIAL, WITH COLLINS BODIES. Identifiers: Orphanet 85110, MedGen C1858680, MONDO:0011412, OMIM 604218.

Allele frequency attached by ClinVar (database versions not stated): gnomAD exomes below 0.00001; TOPMed below 0.00001; gnomAD 0.00001.
gnomAD v4.1: 2 of 1,613,614 alleles (0.00012%); highest among the groups gnomAD compares: Non-Finnish European, 0.00017%; no homozygotes.

Submissions (2):

CeGaT Center for Human Genetics Tuebingen
Classification: Uncertain significance. Last evaluated: 2026-08-01. Review status: criteria provided, single submitter. Criteria: CeGaT Center For Human Genetics Tuebingen Variant Classification Criteria Version 2. Collection method: clinical testing. Allele origin: germline. Affected: yes. Observed: 1 variant allele.
Comment: SERPINI1: PM2

Labcorp Genetics (formerly Invitae), Labcorp
Classification: Uncertain significance for Familial encephalopathy with neuroserpin inclusion bodies. Last evaluated: 2023-08-10. Review status: criteria provided, single submitter. Criteria: Invitae Variant Classification Sherloc (09022015). Collection method: clinical testing. Allele origin: germline.
Comment: In summary, the available evidence is currently insufficient to determine the role of this variant in disease. Therefore, it has been classified as a Variant of Uncertain Significance. Advanced modeling of protein sequence and biophysical properties (such as structural, functional, and spatial information, amino acid conservation, physicochemical variation, residue mobility, and thermodynamic stability) has been performed at Invitae for this missense variant, however the output from this modeling did not meet the statistical confidence thresholds required to predict the impact of this variant on SERPINI1 protein function. ClinVar contains an entry for this variant (Variation ID: 1932583). This variant has not been reported in the literature in individuals affected with SERPINI1-related conditions. This variant is present in population databases (no rsID available, gnomAD 0.0009%). This sequence change replaces serine, which is neutral and polar, with glycine, which is neutral and non-polar, at codon 252 of the SERPINI1 protein (p.Ser252Gly).

NM_001122752.2(SERPINI1):c.754A>G (p.Ser252Gly)

Gene: SERPINI1 (serpin family I member 1; plus strand). Cytogenetic location: 3q26.1.
Variant type: single nucleotide variant.
Coding change: c.754A>G on transcript NM_001122752.2 (MANE Select); coding-DNA position 754, A replaced by G.
Protein change: p.Ser252Gly; replaces serine 252 with glycine.
Molecular consequence: missense variant.
Genome position (GRCh38, 1-based): chr3:167,794,697, A>G. VCF-style: chr3-167794697-A-G. GRCh37 (hg19) VCF-style: chr3-167512485-A-G.
Other names: c.754A>G, p.Ser252Gly (NM_005025.5); short protein forms S252G.
Identifiers: ClinVar variation 1932583 (VCV001932583.6), dbSNP rs1439828732, ClinGen allele CA355157064.
Genomic context (GRCh38, chr3:167,794,697, plus strand): 5'-TCCAATGAAGCTGGTGGTATCTACCAAGTCCTAGAAATACCATATGAAGGAGATGAAATA[A>G]GCATGATGCTGGTGCTGTCCAGACAGGAAGTTCCTCTTGCTACTCTGGAGCCATTAGTCA-3'
Protein context (NP_001116224.1, residues 242-262): LEIPYEGDEI[Ser252Gly]MMLVLSRQEV